The following is an entry in ClinVar:

ClinVar aggregate classification (germline): Uncertain significance. Review status: criteria provided, multiple submitters, no conflicts (2 of 4 stars). 2 submissions from 2 submitters: Uncertain significance (2). Last evaluated 2024-12-19.

Conditions:
Ehlers-Danlos syndrome, classic type, 1 (EDSCL1). Also called: EHLERS-DANLOS SYNDROME, GRAVIS TYPE; EHLERS-DANLOS SYNDROME, SEVERE CLASSIC TYPE; Ehlers-Danlos syndrome, type 1; Ehlers-Danlos Syndrome, Classic Type, COL5A1-Related; EDS I. Identifiers: MedGen C0268335, MONDO:0019567, OMIM 130000.
Osteogenesis imperfecta type I (OI1). Also called: OI, TYPE I; OSTEOGENESIS IMPERFECTA TARDA; OSTEOGENESIS IMPERFECTA WITH BLUE SCLERAE; Osteogenesis imperfecta type 1; Lobstein's Disease; Lobstein disease. Identifiers: Orphanet 216796, Orphanet 666, MedGen C0023931, MONDO:0008146, OMIM 166200. Disease mechanism: loss of function.

gnomAD v4.1: 1 of 1,614,110 alleles (0.000062%); highest among the groups gnomAD compares: Non-Finnish European, 0.000085%; no homozygotes.

Submissions (2):

Greenwood Genetic Center Diagnostic Laboratories, Greenwood Genetic Center
Classification: Uncertain significance. Last evaluated: 2024-12-19. Review status: criteria provided, single submitter. Criteria: ACMG Guidelines, 2015. Collection method: clinical testing. Allele origin: germline. Affected: yes.
Comment: PM2, PP2

Labcorp Genetics (formerly Invitae), Labcorp
Classification: Uncertain significance for Osteogenesis imperfecta type I; Ehlers-Danlos syndrome, classic type, 1. Last evaluated: 2024-03-21. Review status: criteria provided, single submitter. Criteria: Invitae Variant Classification Sherloc (09022015). Collection method: clinical testing. Allele origin: germline.
Comment: This sequence change replaces leucine, which is neutral and non-polar, with proline, which is neutral and non-polar, at codon 897 of the COL1A2 protein (p.Leu897Pro). This variant is not present in population databases (gnomAD no frequency). This variant has not been reported in the literature in individuals affected with COL1A2-related conditions. Advanced modeling of protein sequence and biophysical properties (such as structural, functional, and spatial information, amino acid conservation, physicochemical variation, residue mobility, and thermodynamic stability) performed at Invitae indicates that this missense variant is not expected to disrupt COL1A2 protein function with a negative predictive value of 95%. In summary, the available evidence is currently insufficient to determine the role of this variant in disease. Therefore, it has been classified as a Variant of Uncertain Significance.

NM_000089.4(COL1A2):c.2690T>C (p.Leu897Pro)

Gene: COL1A2 (collagen type I alpha 2 chain; plus strand). Cytogenetic location: 7q21.3.
Variant type: single nucleotide variant.
Coding change: c.2690T>C on transcript NM_000089.4 (MANE Select); coding-DNA position 2690, T replaced by C.
Protein change: p.Leu897Pro; replaces leucine 897 with proline.
Molecular consequence: missense variant.
Genome position (GRCh38, 1-based): chr7:94,425,133, T>C. VCF-style: chr7-94425133-T-C. GRCh37 (hg19) VCF-style: chr7-94054445-T-C.
Other names: short protein forms L897P.
Identifiers: ClinVar variation 3762954 (VCV003762954.3).